The following is an entry in ClinVar:

ClinVar aggregate classification (germline): Uncertain significance (1 of 4 stars; one submission).

Conditions:
Hereditary spastic paraplegia 30. Identifiers: Orphanet 101010, MedGen C5235139, MONDO:0012476.
Neuropathy, hereditary sensory, type 2C. Also called: Hereditary sensory and autonomic neuropathy type IIC; KIF1A-Related HSAN2 (HSAN2C). Identifiers: Orphanet 970, MedGen C3280168, MONDO:0013634, OMIM 614213.
Intellectual disability, autosomal dominant 9 (NESCAVS). Also called: NESCAV SYNDROME; KIF1A-Related Neurodevelopmental Disorder. Identifiers: Orphanet 662367, MedGen C5393830, MONDO:0013656, OMIM 614255.

Allele frequency attached by ClinVar (database versions not stated): ExAC 0.00001; gnomAD exomes 0.00001.
gnomAD v4.1: 3 of 1,613,474 alleles (0.00019%); highest among the groups gnomAD compares: East Asian, 0.0022%; no homozygotes.

Submission:

Labcorp Genetics (formerly Invitae), Labcorp
Classification: Uncertain significance for Hereditary spastic paraplegia 30; Neuropathy, hereditary sensory, type 2C; Intellectual disability, autosomal dominant 9. Last evaluated: 2023-07-17. Review status: criteria provided, single submitter. Criteria: Invitae Variant Classification Sherloc (09022015). Collection method: clinical testing. Allele origin: germline.
Comment: This sequence change replaces lysine, which is basic and polar, with glutamic acid, which is acidic and polar, at codon 442 of the KIF1A protein (p.Lys442Glu). This variant is present in population databases (rs771098896, gnomAD 0.0009%). This variant has not been reported in the literature in individuals affected with KIF1A-related conditions. ClinVar contains an entry for this variant (Variation ID: 1719563). Advanced modeling of protein sequence and biophysical properties (such as structural, functional, and spatial information, amino acid conservation, physicochemical variation, residue mobility, and thermodynamic stability) performed at Invitae indicates that this missense variant is expected to disrupt KIF1A protein function. In summary, the available evidence is currently insufficient to determine the role of this variant in disease. Therefore, it has been classified as a Variant of Uncertain Significance.

NM_001244008.2(KIF1A):c.1351A>G (p.Lys451Glu)

Gene: KIF1A (kinesin family member 1A; minus strand). Cytogenetic location: 2q37.3.
Variant type: single nucleotide variant.
Coding change: c.1351A>G on transcript NM_001244008.2 (MANE Select); coding-DNA position 1351, A replaced by G.
Protein change: p.Lys451Glu; replaces lysine 451 with glutamic acid.
Molecular consequence: missense variant.
Genome position (GRCh38, 1-based): chr2:240,769,697, T>C on the plus strand (A>G on the coding strand, the complement: KIF1A is on the minus strand). VCF-style: chr2-240769697-T-C. GRCh37 (hg19) VCF-style: chr2-241709114-T-C.
Other names: c.1351A>G, p.Lys451Glu (NM_001320705.2, NM_001330289.2, NM_001379638.1); c.1426A>G, p.Lys476Glu (NM_001330290.2, NM_001379631.1, NM_001379634.1 and 2 more transcripts); c.1324A>G, p.Lys442Glu (NM_001379632.1, NM_001379633.1, NM_001379636.1 and 11 more transcripts); c.1399A>G, p.Lys467Glu (NM_001379637.1, NM_001379648.1); short protein forms K442E, K451E, K467E, K476E.
Identifiers: ClinVar variation 1719563 (VCV001719563.6), dbSNP rs771098896, ClinGen allele CA2208423.